The following is an entry in ClinVar:

ClinVar aggregate classification (germline): Uncertain significance (1 of 4 stars; one submission).

Conditions:
Hereditary cancer-predisposing syndrome. Also called: Hereditary Cancer Syndrome; Hereditary neoplastic syndrome; Neoplastic Syndromes, Hereditary; Tumor predisposition. Identifiers: Orphanet 140162, MedGen C0027672, MeSH D009386, MONDO:0015356.

Submission:

Ambry Genetics
Classification: Uncertain significance for Hereditary cancer-predisposing syndrome. Last evaluated: 2022-08-24. Review status: criteria provided, single submitter. Criteria: Ambry Variant Classification Scheme 2023. Collection method: clinical testing. Allele origin: germline.
Comment: The p.H201R variant (also known as c.602A>G), located in coding exon 4 of the PTCH1 gene, results from an A to G substitution at nucleotide position 602. The histidine at codon 201 is replaced by arginine, an amino acid with highly similar properties. This amino acid position is conserved. In addition, the in silico prediction for this alteration is inconclusive. Since supporting evidence is limited at this time, the clinical significance of this alteration remains unclear.

NM_000264.5(PTCH1):c.602A>G (p.His201Arg)

Gene: PTCH1 (patched 1; minus strand). Cytogenetic location: 9q22.32.
Variant type: single nucleotide variant.
Coding change: c.602A>G on transcript NM_000264.5 (MANE Select); coding-DNA position 602, A replaced by G.
Protein change: p.His201Arg; replaces histidine 201 with arginine.
Molecular consequence: missense variant. On other transcripts: non-coding transcript variant (1).
Genome position (GRCh38, 1-based): chr9:95,482,186, T>C on the plus strand (A>G on the coding strand, the complement: PTCH1 is on the minus strand). VCF-style: chr9-95482186-T-C. GRCh37 (hg19) VCF-style: chr9-98244468-T-C.
Other names: c.404A>G, p.His135Arg (NM_001083602.3, NM_001354919.2); c.599A>G, p.His200Arg (NM_001083603.3); c.149A>G, p.His50Arg (NM_001083604.3, NM_001083605.3, NM_001083606.3 and 1 more transcripts); c.602A>G, p.His201Arg (NM_001354918.2); short protein forms H201R, H50R, H135R, H200R.
Identifiers: ClinVar variation 1751161 (VCV001751161.2), dbSNP rs2538247759, ClinGen allele CA374115126.
Genomic context (GRCh38, chr9:95,482,186, plus strand): 5'-AAATATACCTGATCCATGTAACCTGTTTCTGTGATAAGCTCTCCTGATTTGTAACACAAA[T>C]GTTCCAATTTCCACTGCCTAATAAAATGAAAAGCAGAGACAAAAATTTCTCACTGTAATA-3'
Protein context (NP_000255.2, residues 191-211): YMYNRQWKLE[His201Arg]LCYKSGELIT